The following is an entry in ClinVar:

ClinVar aggregate classification (germline): Benign (0 of 4 stars; one submission).

Conditions:
MRAP2-related disorder. Also called: MRAP2-related condition.

Allele frequency attached by ClinVar (database versions not stated): 1000 Genomes Project 30x 0.00203; 1000 Genomes Project 0.00220; gnomAD 0.00310; TOPMed 0.00362.
gnomAD v4.1: 471 of 152,274 alleles (0.31%); highest among the groups gnomAD compares: African/African-American, 1.1%; 2 homozygotes.

Submission:

PreventionGenetics, part of Exact Sciences
Classification: Benign for MRAP2-related condition. Last evaluated: 2019-08-23. Review status: no assertion criteria provided. Collection method: clinical testing. Allele origin: germline.
Comment: This variant is classified as benign based on ACMG/AMP sequence variant interpretation guidelines (Richards et al. 2015 PMID: 25741868, with internal and published modifications).

NM_138409.4(MRAP2):c.228-1844G>A

Gene: MRAP2 (melanocortin 2 receptor accessory protein 2; plus strand). Cytogenetic location: 6q14.2.
Variant type: single nucleotide variant.
Coding change: c.228-1844G>A on transcript NM_138409.4 (MANE Select); 1844 bases into the intron before coding-DNA position 228, G replaced by A.
Molecular consequence: intron variant. On other transcripts: missense variant (1).
Genome position (GRCh38, 1-based): chr6:84,087,247, G>A. VCF-style: chr6-84087247-G-A. GRCh37 (hg19) VCF-style: chr6-84796966-G-A.
Other names: c.28G>A, p.Gly10Arg (NM_001346543.2); c.228-1844G>A (NM_001346542.2, NM_001346544.2); c.-31-1844G>A (NM_001346541.2); short protein forms G10R.
Identifiers: ClinVar variation 3058853 (VCV003058853.2), dbSNP rs1810806, ClinGen allele CA141992391.